The following is an entry in ClinVar:

NM_001035.3(RYR2):c.6236A>C (p.Glu2079Ala)

Gene: RYR2 (ryanodine receptor 2; plus strand). Cytogenetic location: 1q43.
Variant type: single nucleotide variant.
Coding change: c.6236A>C on transcript NM_001035.3 (MANE Select); coding-DNA position 6236, A replaced by C.
Protein change: p.Glu2079Ala; replaces glutamic acid 2079 with alanine.
Molecular consequence: missense variant.
Genome position (GRCh38, 1-based): chr1:237,627,876, A>C. VCF-style: chr1-237627876-A-C. GRCh37 (hg19) VCF-style: chr1-237791176-A-C.
Other names: c.6236A>C (NM_001035.2); short protein forms E2079A.
Identifiers: ClinVar variation 3070800 (VCV003070800.2), dbSNP rs2546888204, ClinGen allele CA345410641.
Genomic context (GRCh38, chr1:237,627,876, plus strand): 5'-AGCAGCTGATTTCTGAGACCATGGTCCGATGGGCTCAGGAGTCTGTCATTGAAGACCCCG[A>C]GCTGGTGAGGGCCATGTTTGTGTTGCTCCATCGGCAGTATGACGGCATTGGGGGTCTTGT-3'
Protein context (NP_001026.2, residues 2069-2089): WAQESVIEDP[Glu2079Ala]LVRAMFVLLH

ClinVar aggregate classification (germline): Uncertain significance. Review status: criteria provided, multiple submitters, no conflicts (2 of 4 stars). 2 submissions from 2 submitters: Uncertain significance (2). Last evaluated 2025-05-17.

Conditions:
Catecholaminergic polymorphic ventricular tachycardia (CVPT). Also called: Catecholamine-induced polymorphic ventricular tachycardia. Identifiers: Orphanet 3286, MedGen C5574922, MONDO:0017990.

Allele frequency attached by ClinVar (database versions not stated): gnomAD exomes below 0.00001.
gnomAD v4.1: 4 of 1,613,744 alleles (0.00025%); highest among the groups gnomAD compares: Non-Finnish European, 0.00034%; no homozygotes.

Submissions (2):

GeneDx
Classification: Uncertain significance. Last evaluated: 2025-05-17. Review status: criteria provided, single submitter. Criteria: GeneDx Variant Classification Process June 2021. Collection method: clinical testing. Allele origin: germline. Affected: yes.
Comment: Not observed at significant frequency in large population cohorts (gnomAD); In silico analysis supports that this missense variant has a deleterious effect on protein structure/function; Has not been previously published as pathogenic or benign to our knowledge; Not located in one of the three hot-spot regions of the RYR2 gene, where the majority of pathogenic missense variants occur (PMID: 19926015); This variant is associated with the following publications: (PMID: 19926015)

All of Us Research Program, National Institutes of Health
Classification: Uncertain significance for Catecholaminergic polymorphic ventricular tachycardia. Last evaluated: 2023-05-04. Review status: criteria provided, single submitter. Criteria: ACMG Guidelines, 2015. Collection method: clinical testing. Allele origin: germline. Inheritance: Autosomal dominant inheritance. Observed: 1 variant allele, 1 heterozygote.
Comment: This missense variant replaces glutamic acid with alanine at codon 2079 of the RYR2 protein. Computational prediction suggests that this variant may have deleterious impact on protein structure and function (internally defined REVEL score threshold >= 0.7, PMID: 27666373). To our knowledge, functional studies have not been reported for this variant. This variant has not been reported in individuals affected with RYR2-related disorders in the literature. This variant has not been identified in the general population by the Genome Aggregation Database (gnomAD). The available evidence is insufficient to determine the role of this variant in disease conclusively. Therefore, this variant is classified as a Variant of Uncertain Significance.

This study involves interpretation of variants in research participants for the purpose of population health screening. Participant phenotype was not available at the time of variant classification. Additional details can be found in publication PMID: 35346344, PMCID: PMC8962531